The following is an entry in ClinVar:

NM_139137.4(KCNC2):c.688-1G>A

Gene: KCNC2 (potassium voltage-gated channel subfamily C member 2; minus strand). Cytogenetic location: 12q21.1.
Variant type: single nucleotide variant.
Coding change: c.688-1G>A on transcript NM_139137.4 (MANE Select); the canonical splice acceptor site of the intron before coding-DNA position 688, G replaced by A.
Molecular consequence: splice acceptor variant.
Genome position (GRCh38, 1-based): chr12:75,051,318, C>T on the plus strand (G>A on the coding strand, the complement: KCNC2 is on the minus strand). VCF-style: chr12-75051318-C-T. GRCh37 (hg19) VCF-style: chr12-75445098-C-T.
Other names: c.688-1G>A (NM_001414199.1, NM_153748.3, NM_001260499.2 and 13 more transcripts).
Identifiers: ClinVar variation 5008177 (VCV005008177.1).

ClinVar aggregate classification (germline): Uncertain significance (1 of 4 stars; one submission).

Submission:

GeneDx
Classification: Uncertain significance. Last evaluated: 2026-02-28. Review status: criteria provided, single submitter. Criteria: GeneDx Variant Classification Process June 2021. Collection method: clinical testing. Allele origin: germline.
Comment: Not observed at significant frequency in large population cohorts (gnomAD); Has not been previously published as pathogenic or benign to our knowledge; Canonical splice site variant in a gene for which loss of function is not an established mechanism of disease